The following is an entry in ClinVar:

ClinVar aggregate classification (germline): Uncertain significance (1 of 4 stars; one submission).

Submission:

Labcorp Genetics (formerly Invitae), Labcorp
Classification: Uncertain significance. Last evaluated: 2024-05-28. Review status: criteria provided, single submitter. Criteria: Invitae Variant Classification Sherloc (09022015). Collection method: clinical testing. Allele origin: germline.
Comment: This sequence change replaces tyrosine, which is neutral and polar, with serine, which is neutral and polar, at codon 696 of the PHEX protein (p.Tyr696Ser). This variant is not present in population databases (gnomAD no frequency). This variant has not been reported in the literature in individuals affected with PHEX-related conditions. Advanced modeling of protein sequence and biophysical properties (such as structural, functional, and spatial information, amino acid conservation, physicochemical variation, residue mobility, and thermodynamic stability) performed at Invitae indicates that this missense variant is expected to disrupt PHEX protein function with a positive predictive value of 95%. In summary, the available evidence is currently insufficient to determine the role of this variant in disease. Therefore, it has been classified as a Variant of Uncertain Significance.

NM_000444.6(PHEX):c.2087A>C (p.Tyr696Ser)

Genes: PHEX (phosphate regulating endopeptidase X-linked; plus strand), PTCHD1-AS (PTCHD1 and PHEX antisense RNA; minus strand). Cytogenetic location: Xp22.11.
Variant type: single nucleotide variant.
Coding change: c.2087A>C on transcript NM_000444.6 (MANE Select); coding-DNA position 2087, A replaced by C.
Protein change: p.Tyr696Ser; replaces tyrosine 696 with serine.
Molecular consequence: missense variant. On other transcripts: intron variant (1).
Genome position (GRCh38, 1-based): chrX:22,245,349, A>C. VCF-style: chrX-22245349-A-C. GRCh37 (hg19) VCF-style: chrX-22263466-A-C.
Other names: c.2071-2502A>C (NM_001282754.2); short protein forms Y696S.
Identifiers: ClinVar variation 3654414 (VCV003654414.2).